The following is an entry in ClinVar:

ClinVar aggregate classification (germline): Uncertain significance (1 of 4 stars; one submission).

Allele frequency attached by ClinVar (database versions not stated): ExAC 0.00001.

Submission:

Labcorp Genetics (formerly Invitae), Labcorp
Classification: Uncertain significance. Last evaluated: 2024-10-18. Review status: criteria provided, single submitter. Criteria: Invitae Variant Classification Sherloc (09022015). Collection method: clinical testing. Allele origin: germline.
Comment: This sequence change falls in intron 23 of the A2ML1 gene. It does not directly change the encoded amino acid sequence of the A2ML1 protein. This variant is present in population databases (rs774394683, gnomAD 0.01%). This variant has not been reported in the literature in individuals affected with A2ML1-related conditions. ClinVar contains an entry for this variant (Variation ID: 1417451). Algorithms developed to predict the effect of sequence changes on RNA splicing suggest that this variant may disrupt the consensus splice site. In summary, the available evidence is currently insufficient to determine the role of this variant in disease. Therefore, it has been classified as a Variant of Uncertain Significance.

NM_144670.6(A2ML1):c.2849-10T>A

Gene: A2ML1 (alpha-2-macroglobulin like 1; plus strand). Cytogenetic location: 12p13.31.
Variant type: single nucleotide variant.
Coding change: c.2849-10T>A on transcript NM_144670.6 (MANE Select); 10 bases into the intron before coding-DNA position 2849, T replaced by A.
Molecular consequence: intron variant.
Genome position (GRCh38, 1-based): chr12:8,857,154, T>A. VCF-style: chr12-8857154-T-A. GRCh37 (hg19) VCF-style: chr12-9009750-T-A.
Other names: c.1376-10T>A (NM_001282424.3).
Identifiers: ClinVar variation 1417451 (VCV001417451.6), dbSNP rs774394683, ClinGen allele CA6436183.
Genomic context (GRCh38, chr12:8,857,154, plus strand): 5'-ATGATGATAACTCTTAGAGGGTCCCTTCTTCTCTGTACCCCTACCTTCTCTCTCTCCTTT[T>A]GGATCCCAGGAGACATTATGGGCACAGCCCTGCAGAACCTGGATGGTCTGGTGCAGATGC-3'